The following is an entry in ClinVar:

ClinVar aggregate classification (germline): Uncertain significance. Review status: criteria provided, multiple submitters, no conflicts (2 of 4 stars). 2 submissions from 2 submitters: Uncertain significance (2). Last evaluated 2026-07-29.

Conditions:
Inborn genetic diseases. Identifiers: MedGen C0950123, MeSH D030342.

gnomAD v4.1: 1 of 1,607,184 alleles (0.000062%); highest among the groups gnomAD compares: Non-Finnish European, 0.000085%; no homozygotes.

Submissions (2):

Ambry Genetics
Classification: Uncertain significance for Inborn genetic diseases. Last evaluated: 2026-07-29. Review status: criteria provided, single submitter. Criteria: Ambry Variant Classification Scheme 2023. Collection method: clinical testing. Allele origin: germline.

Labcorp Genetics (formerly Invitae), Labcorp
Classification: Uncertain significance. Last evaluated: 2024-11-06. Review status: criteria provided, single submitter. Criteria: Invitae Variant Classification Sherloc (09022015). Collection method: clinical testing. Allele origin: germline.
Comment: This sequence change replaces asparagine, which is neutral and polar, with serine, which is neutral and polar, at codon 323 of the DSG1 protein (p.Asn323Ser). This variant is not present in population databases (gnomAD no frequency). This variant has not been reported in the literature in individuals affected with DSG1-related conditions. Invitae Evidence Modeling of protein sequence and biophysical properties (such as structural, functional, and spatial information, amino acid conservation, physicochemical variation, residue mobility, and thermodynamic stability) indicates that this missense variant is not expected to disrupt DSG1 protein function with a negative predictive value of 80%. In summary, the available evidence is currently insufficient to determine the role of this variant in disease. Therefore, it has been classified as a Variant of Uncertain Significance.

NM_001942.4(DSG1):c.968A>G (p.Asn323Ser)

Gene: DSG1 (desmoglein 1; plus strand). Cytogenetic location: 18q12.1.
Variant type: single nucleotide variant.
Coding change: c.968A>G on transcript NM_001942.4 (MANE Select); coding-DNA position 968, A replaced by G.
Protein change: p.Asn323Ser; replaces asparagine 323 with serine.
Molecular consequence: missense variant.
Genome position (GRCh38, 1-based): chr18:31,334,165, A>G. VCF-style: chr18-31334165-A-G. GRCh37 (hg19) VCF-style: chr18-28914128-A-G.
Other names: c.968A>G (NM_001942.2); short protein forms N323S.
Identifiers: ClinVar variation 3617919 (VCV003617919.3).